The following is an entry in ClinVar:

ClinVar aggregate classification (germline): Uncertain significance. Review status: criteria provided, multiple submitters, no conflicts (2 of 4 stars). 2 submissions from 2 submitters: Uncertain significance (2). Last evaluated 2024-05-15.

Conditions:
Familial hypokalemia-hypomagnesemia (GTLMNS). Also called: gitelman syndrome; HYPOMAGNESEMIA-HYPOKALEMIA, PRIMARY RENOTUBULAR, WITH HYPOCALCIURIA; POTASSIUM AND MAGNESIUM DEPLETION. Identifiers: Orphanet 358, MedGen C0268450, MONDO:0009904, OMIM 263800.

gnomAD v4.1: 1 of 1,613,718 alleles (0.000062%); highest among the groups gnomAD compares: African/African-American, 0.0013%; no homozygotes.

Submissions (2):

Fulgent Genetics
Classification: Uncertain significance for Familial hypokalemia-hypomagnesemia. Last evaluated: 2024-05-15. Review status: criteria provided, single submitter. Criteria: ACMG Guidelines, 2015. Collection method: clinical testing. Allele origin: germline.

European Hospital Georges Pompidou Genetics Department, Assistance Publique - Hôpitaux de Paris AP-HP
Classification: Uncertain significance for Familial hypokalemia-hypomagnesemia. Last evaluated: 2022-04-27. Review status: criteria provided, single submitter. Criteria: ACMG Guidelines, 2015. Collection method: clinical testing. Allele origin: germline. Affected: yes.
Comment: ACMG criteria used:PM2 BP4

NM_001126108.2(SLC12A3):c.791C>A (p.Ala264Asp)

Gene: SLC12A3 (solute carrier family 12 member 3; plus strand). Cytogenetic location: 16q13.
Variant type: single nucleotide variant.
Coding change: c.791C>A on transcript NM_001126108.2 (MANE Select); coding-DNA position 791, C replaced by A.
Protein change: p.Ala264Asp; replaces alanine 264 with aspartic acid.
Molecular consequence: missense variant.
Genome position (GRCh38, 1-based): chr16:56,870,675, C>A. VCF-style: chr16-56870675-C-A. GRCh37 (hg19) VCF-style: chr16-56904587-C-A.
Other names: c.791C>A, p.Ala264Asp (NM_000339.3); c.788C>A, p.Ala263Asp (NM_001126107.2); short protein forms A263D, A264D.
Identifiers: ClinVar variation 1684157 (VCV001684157.2), dbSNP rs1529927, ClinGen allele CA395982211.